The following is an entry in ClinVar:

ClinVar aggregate classification (germline): Pathogenic (1 of 4 stars; one submission).

Conditions:
Hereditary cancer-predisposing syndrome. Also called: Neoplastic Syndromes, Hereditary; Tumor predisposition; Hereditary neoplastic syndrome; Hereditary Cancer Syndrome. Identifiers: Orphanet 140162, MedGen C0027672, MeSH D009386, MONDO:0015356.

Submission:

Ambry Genetics
Classification: Pathogenic for Hereditary cancer-predisposing syndrome. Last evaluated: 2024-01-05. Review status: criteria provided, single submitter. Criteria: Ambry Variant Classification Scheme 2023. Collection method: clinical testing. Allele origin: germline.
Comment: The c.3529_3531delGGTinsTACAGCAG pathogenic mutation, located in coding exon 20 of the DICER1 gene, results from the deletion of 3 nucleotides and insertion of 8 nucleotides causing a translational frameshift with a predicted alternate stop codon (p.G1177Yfs*17). This variant is considered to be rare based on population cohorts in the Genome Aggregation Database (gnomAD). This alteration is expected to result in loss of function by premature protein truncation or nonsense-mediated mRNA decay. As such, this alteration is interpreted as a disease-causing mutation.

NM_177438.3(DICER1):c.3529_3531delinsTACAGCAG (p.Gly1177fs)

Gene: DICER1 (dicer 1, ribonuclease III; minus strand). Cytogenetic location: 14q32.13.
Variant type: Indel.
Coding change: c.3529_3531delinsTACAGCAG on transcript NM_177438.3 (MANE Select); coding-DNA positions 3529 to 3531, GGT replaced by TACAGCAG.
Protein change: p.Gly1177fs; shifts the reading frame from glycine 1177.
Molecular consequence: frameshift variant. On other transcripts: non-coding transcript variant (6).
Genome position (GRCh38, 1-based): chr14:95,103,865-95,103,867, ACC replaced by CTGCTGTA on the plus strand (GGT replaced by TACAGCAG on the coding strand, the reverse complement: DICER1 is on the minus strand). VCF-style: chr14-95103865-ACC-CTGCTGTA. GRCh37 (hg19) VCF-style: chr14-95570202-ACC-CTGCTGTA.
Other names: c.3529_3531delinsTACAGCAG, p.Gly1177fs (NM_001195573.1, NM_001271282.3, NM_001291628.2 and 12 more transcripts); c.3529_3531delGGTinsTACAGCAG, p.Gly1177Tyrfs (NM_001395681.1); c.3247_3249delinsTACAGCAG, p.Gly1083fs (NM_001395686.1); c.3124_3126delinsTACAGCAG, p.Gly1042fs (NM_001395687.1, NM_001395688.1, NM_001395689.1 and 2 more transcripts); c.2962_2964delinsTACAGCAG, p.Gly988fs (NM_001395691.1); c.1846_1848delinsTACAGCAG, p.Gly616fs (NM_001395697.1); short protein forms G1042fs, G1083fs, G1177fs, G616fs, G988fs.
Identifiers: ClinVar variation 3229381 (VCV003229381.1), dbSNP rs2542709920, ClinGen allele CA2825002249.